The following is an entry in ClinVar:

ClinVar aggregate classification (germline): Conflicting classifications of pathogenicity. Review status: criteria provided, conflicting classifications (1 of 4 stars). 11 submissions from 10 submitters: Uncertain significance (1); Benign (2); Likely benign (4). 4 of the submissions do not count toward it. Last evaluated 2026-01-01.

Conditions:
Charcot-Marie-Tooth disease type 4. Also called: Charcot-Marie-Tooth disease, type IV; Charcot-Marie-Tooth, Type 4. Identifiers: Orphanet 64749, MedGen C4082197, MONDO:0018995.
SH3TC2-related disorder. Also called: SH3TC2-related disorders; SH3TC2-related condition. Identifiers: MedGen CN239303.
Charcot-Marie-Tooth disease type 4C (CMT4C). Also called: CMT 4C; Charcot-Marie-Tooth Neuropathy Type 4C (CMT4C); SH3TC2-Related Hereditary Motor and Sensory Neuropathy; CHARCOT-MARIE-TOOTH DISEASE, DEMYELINATING, TYPE 4C; CHARCOT-MARIE-TOOTH DISEASE, DEMYELINATING, AUTOSOMAL RECESSIVE, TYPE 4C. Identifiers: Orphanet 99949, MedGen C1866636, MONDO:0011113, OMIM 601596.
Susceptibility to mononeuropathy of the median nerve, mild. Also called: CARPAL TUNNEL SYNDROME, SUSCEPTIBILITY TO. Identifiers: MedGen C3150596, MONDO:0013237, OMIM 613353.
Charcot-Marie-Tooth disease. Also called: Charcot-Marie-Tooth Neuropathy; Charcot-Marie-Tooth Hereditary Neuropathy. Identifiers: Orphanet 166, MedGen C0007959, MONDO:0015626.

Allele frequency attached by ClinVar (database versions not stated): ExAC 0.00377; gnomAD 0.00390 and 0.00407; ESP Exome Variant Server 0.00438; 1000 Genomes Project 30x 0.00172; 1000 Genomes Project 0.00200; TOPMed 0.00299; gnomAD exomes 0.00367 and 0.00499.

Submissions (11):

CeGaT Center for Human Genetics Tuebingen
Classification: Likely benign. Last evaluated: 2026-01-01. Review status: criteria provided, single submitter. Criteria: CeGaT Center For Human Genetics Tuebingen Variant Classification Criteria Version 2. Collection method: clinical testing. Allele origin: germline. Affected: yes. Observed: 19 variant alleles.
Comment: SH3TC2: BP4, BS2

Blueprint Genetics
Classification: Likely benign. Last evaluated: 2024-11-26. Review status: criteria provided, single submitter. Criteria: ACMG Guidelines, 2015. Collection method: clinical testing. Allele origin: germline.

ARUP Laboratories, Molecular Genetics and Genomics, ARUP Laboratories
Classification: Likely benign. Last evaluated: 2024-04-08. Review status: criteria provided, single submitter. Criteria: ARUP Molecular Germline Variant Investigation Process 2024. Collection method: clinical testing. Allele origin: germline.

Labcorp Genetics (formerly Invitae), Labcorp
Classification: Benign for Charcot-Marie-Tooth disease type 4. Last evaluated: 2019-12-31. Review status: criteria provided, single submitter. Criteria: Invitae Variant Classification Sherloc (09022015). Collection method: clinical testing. Allele origin: germline.

Illumina Laboratory Services, Illumina
Classification: Uncertain significance for Susceptibility to mononeuropathy of the median nerve, mild. Last evaluated: 2017-04-27. Review status: criteria provided, single submitter. Criteria: ICSL Variant Classification Criteria 13 December 2019. Collection method: clinical testing. Allele origin: germline.
Comment: This variant was observed as part of a predisposition screen in an ostensibly healthy population. A literature search was performed for the gene, cDNA change, and amino acid change (where applicable). Publications were found based on this search. However, the evidence from the literature, in combination with allele frequency data from public databases where available, was not sufficient to rule this variant in or out of causing disease. Therefore, this variant is classified as a variant of unknown significance.

Illumina Laboratory Services, Illumina
Classification: Benign for Charcot-Marie-Tooth disease type 4C. Last evaluated: 2017-04-27. Review status: criteria provided, single submitter. Criteria: ICSL Variant Classification Criteria 13 December 2019. Collection method: clinical testing. Allele origin: germline.
Comment: This variant was observed as part of a predisposition screen in an ostensibly healthy population. A literature search was performed for the gene, cDNA change, and amino acid change (where applicable). Publications were found based on this search. The evidence from the literature, in combination with allele frequency data from public databases where available, was sufficient to rule this variant out of causing disease. Therefore, this variant is classified as benign.

Molecular Genetics Laboratory, London Health Sciences Centre
Classification: Likely benign for Charcot-Marie-Tooth disease. Review status: criteria provided, single submitter. Criteria: ACMG Guidelines, 2015. Collection method: clinical testing. Allele origin: germline. Affected: yes.

PreventionGenetics, part of Exact Sciences
Classification: Benign for SH3TC2-related condition. Last evaluated: 2019-04-30. Review status: no assertion criteria provided. Collection method: clinical testing. Allele origin: germline. Not counted in ClinVar's aggregate classification.
Comment: This variant is classified as benign based on ACMG/AMP sequence variant interpretation guidelines (Richards et al. 2015 PMID: 25741868, with internal and published modifications).

Clinical Genetics DNA and cytogenetics Diagnostics Lab, Erasmus MC, Erasmus Medical Center
Classification: Likely benign. Review status: no assertion criteria provided. Collection method: clinical testing. Allele origin: germline. Affected: yes. Study: VKGL Data-share Consensus. Not counted in ClinVar's aggregate classification.

Clinical Genetics, Academic Medical Center
Classification: Likely benign. Review status: no assertion criteria provided. Collection method: clinical testing. Allele origin: germline. Affected: yes. Study: VKGL Data-share Consensus. Not counted in ClinVar's aggregate classification.

Genome Diagnostics Laboratory, University Medical Center Utrecht
Classification: Likely benign. Review status: no assertion criteria provided. Collection method: clinical testing. Allele origin: germline. Affected: yes. Study: VKGL Data-share Consensus. Not counted in ClinVar's aggregate classification.

Literature cited by the submitters: PubMed 19086034 (cited by Illumina Laboratory Services, Illumina).

NM_024577.4(SH3TC2):c.1403C>T (p.Ala468Val)

Gene: SH3TC2 (SH3 domain and tetratricopeptide repeats 2; minus strand). Cytogenetic location: 5q32.
Variant type: single nucleotide variant.
Coding change: c.1403C>T on transcript NM_024577.4 (MANE Select); coding-DNA position 1403, C replaced by T.
Protein change: p.Ala468Val; replaces alanine 468 with valine.
Molecular consequence: missense variant.
Genome position (GRCh38, 1-based): chr5:149,028,329, G>A on the plus strand (C>T on the coding strand, the complement: SH3TC2 is on the minus strand). VCF-style: chr5-149028329-G-A. GRCh37 (hg19) VCF-style: chr5-148407892-G-A.
Other names: short protein forms A468V.
Identifiers: ClinVar variation 546985 (VCV000546985.57), dbSNP rs6874630, ClinGen allele CA3499184.